The following is an entry in ClinVar:

NM_005630.3(SLCO2A1):c.1691-2A>T

Gene: SLCO2A1 (solute carrier organic anion transporter family member 2A1; minus strand). Cytogenetic location: 3q22.1.
Variant type: single nucleotide variant.
Coding change: c.1691-2A>T on transcript NM_005630.3 (MANE Select); the canonical splice acceptor site of the intron before coding-DNA position 1691, A replaced by T.
Molecular consequence: splice acceptor variant.
Genome position (GRCh38, 1-based): chr3:133,935,899, T>A on the plus strand (A>T on the coding strand, the complement: SLCO2A1 is on the minus strand). VCF-style: chr3-133935899-T-A. GRCh37 (hg19) VCF-style: chr3-133654743-T-A.
Identifiers: ClinVar variation 4855806 (VCV004855806.1).

ClinVar aggregate classification (germline): Likely pathogenic (1 of 4 stars; one submission).

Conditions:
Hypertrophic osteoarthropathy, primary, autosomal dominant. Also called: PHOAD; PACHYDERMOPERIOSTOSIS, AUTOSOMAL DOMINANT; PDP, AUTOSOMAL DOMINANT; PHO, AUTOSOMAL DOMINANT. Identifiers: Orphanet 2796, MedGen C2674695, MONDO:0008172, OMIM 167100.

Submission:

3billion
Classification: Likely pathogenic for Hypertrophic osteoarthropathy, primary, autosomal dominant. Last evaluated: 2026-01-13. Review status: criteria provided, single submitter. Criteria: ACMG Guidelines, 2015. Collection method: clinical testing. Allele origin: germline. Affected: yes.
Comment: The variant is not observed in the gnomAD v4.1.0 dataset. Predicted Consequence/Location: Canonical splice site: predicted to alter splicing and result in a loss or disruption of normal protein function. Multiple pathogenic loss-of-function variants are reported downstream of the variant. In silico tools predict the variant to alter splicing and produce an abnormal transcript [SpliceAI: 0.98 (spliceogenicity >=0.2, non-spliceogenicity <0.1)]. Therefore, this variant is classified as Likely pathogenic according to the recommendation of ACMG/AMP guideline.